The following is an entry in ClinVar:

NM_002203.4(ITGA2):c.2742-6del

Gene: ITGA2 (integrin subunit alpha 2; plus strand). Cytogenetic location: 5q11.2.
Variant type: Deletion.
Coding change: c.2742-6del on transcript NM_002203.4 (MANE Select); 6 bases into the intron before coding-DNA position 2742, one base deleted (C; older notation c.2742-6delC).
Molecular consequence: intron variant.
Genome position (GRCh38, 1-based): chr5:53,075,215, C deleted. VCF-style (leftmost placement, unchanged base first): chr5-53075214-TC-T. GRCh37 (hg19) VCF-style: chr5-52371044-TC-T.
Identifiers: ClinVar variation 4985416 (VCV004985416.1).

ClinVar aggregate classification (germline): Likely benign (1 of 4 stars; one submission).

Conditions:
ITGA2-related disorder. Also called: ITGA2-related condition.

Submission:

PreventionGenetics, part of Exact Sciences
Classification: Likely benign for ITGA2-related condition. Last evaluated: 2025-11-06. Review status: criteria provided, single submitter. Criteria: ACMG Guidelines, 2015. Collection method: clinical testing. Allele origin: germline.
Comment: This variant is classified as likely benign based on ACMG/AMP sequence variant interpretation guidelines (Richards et al. 2015 PMID: 25741868, with internal and published modifications).